The following is an entry in ClinVar:

NM_001701.4(BAAT):c.147C>T (p.His49=)

Gene: BAAT (bile acid-CoA:amino acid N-acyltransferase; minus strand). Cytogenetic location: 9q31.1.
Variant type: single nucleotide variant.
Coding change: c.147C>T on transcript NM_001701.4 (MANE Select); coding-DNA position 147, C replaced by T.
Protein change: p.His49=; no amino-acid change (histidine 49 retained).
Molecular consequence: synonymous variant.
Genome position (GRCh38, 1-based): chr9:101,371,258, G>A on the plus strand (C>T on the coding strand, the complement: BAAT is on the minus strand). VCF-style: chr9-101371258-G-A. GRCh37 (hg19) VCF-style: chr9-104133540-G-A.
Other names: c.147C>T, p.His49= (NM_001127610.2, NM_001374715.1).
Identifiers: ClinVar variation 912409 (VCV000912409.6), dbSNP rs137898002, ClinGen allele CA5160774.

ClinVar aggregate classification (germline): Uncertain significance. Review status: criteria provided, single submitter (1 of 4 stars). 2 submissions from 2 submitters: Uncertain significance (1). 1 of the submissions does not count toward it. Last evaluated 2017-06-12.

Conditions:
BAAT-related disorder. Also called: BAAT-related condition.
Hypercholanemia, familial 1 (FHCA1). Identifiers: Orphanet 238475, MedGen C5542604, MONDO:0031446, OMIM 607748.

Allele frequency attached by ClinVar (database versions not stated): gnomAD 0.00001 and 0.00003; TOPMed 0.00002; gnomAD exomes 0.00014; ExAC 0.00017; 1000 Genomes Project 30x 0.00031; 1000 Genomes Project 0.00040.
gnomAD v4.1: 229 of 1,613,176 alleles (0.014%); highest among the groups gnomAD compares: East Asian, 0.51%; 2 homozygotes.

Submissions (2):

Illumina Laboratory Services, Illumina
Classification: Uncertain significance for Hypercholanemia, familial 1. Last evaluated: 2017-06-12. Review status: criteria provided, single submitter. Criteria: ICSL Variant Classification Criteria 13 December 2019. Collection method: clinical testing. Allele origin: germline.
Comment: This variant was observed as part of a predisposition screen in an ostensibly healthy population. A literature search was performed for the gene, cDNA change, and amino acid change (where applicable). Publications were found based on this search. However, the evidence from the literature, in combination with allele frequency data from public databases where available, was not sufficient to rule this variant in or out of causing disease. Therefore, this variant is classified as a variant of unknown significance.

PreventionGenetics, part of Exact Sciences
Classification: Likely benign for BAAT-related condition. Last evaluated: 2021-11-08. Review status: no assertion criteria provided. Collection method: clinical testing. Allele origin: germline. Not counted in ClinVar's aggregate classification.
Comment: This variant is classified as likely benign based on ACMG/AMP sequence variant interpretation guidelines (Richards et al. 2015 PMID: 25741868, with internal and published modifications).

Literature cited by the submitters: PubMed 17495420 (cited by Illumina Laboratory Services, Illumina).